The following is an entry in ClinVar:

ClinVar aggregate classification (germline): Uncertain significance (1 of 4 stars; one submission).

Conditions:
Ataxia-telangiectasia syndrome (AT). Also called: Ataxia-telangiectasia, complementation group E; Ataxia-telangiectasia; ATAXIA-TELANGIECTASIA, COMPLEMENTATION GROUP A; Ataxia-telangiectasia, complementation group D; Ataxia telangiectasia (A-T); LOUIS-BAR SYNDROME. Identifiers: Orphanet 100, MedGen C0004135, MONDO:0008840, OMIM 208900.

Submission:

Labcorp Genetics (formerly Invitae), Labcorp
Classification: Uncertain significance for Ataxia-telangiectasia syndrome. Last evaluated: 2022-07-15. Review status: criteria provided, single submitter. Criteria: Invitae Variant Classification Sherloc (09022015). Collection method: clinical testing. Allele origin: germline.
Comment: Advanced modeling of protein sequence and biophysical properties (such as structural, functional, and spatial information, amino acid conservation, physicochemical variation, residue mobility, and thermodynamic stability) performed at Invitae indicates that this missense variant is not expected to disrupt ATM protein function. In summary, the available evidence is currently insufficient to determine the role of this variant in disease. Therefore, it has been classified as a Variant of Uncertain Significance. This variant has not been reported in the literature in individuals affected with ATM-related conditions. This sequence change replaces lysine, which is basic and polar, with glutamic acid, which is acidic and polar, at codon 1181 of the ATM protein (p.Lys1181Glu). This variant is not present in population databases (gnomAD no frequency).

NM_000051.4(ATM):c.3541A>G (p.Lys1181Glu)

Gene: ATM (ATM serine/threonine kinase; plus strand). Cytogenetic location: 11q22.3.
Variant type: single nucleotide variant.
Coding change: c.3541A>G on transcript NM_000051.4 (MANE Select); coding-DNA position 3541, A replaced by G.
Protein change: p.Lys1181Glu; replaces lysine 1181 with glutamic acid.
Molecular consequence: missense variant.
Genome position (GRCh38, 1-based): chr11:108,281,133, A>G. VCF-style: chr11-108281133-A-G. GRCh37 (hg19) VCF-style: chr11-108151860-A-G.
Other names: c.3541A>G, p.Lys1181Glu (NM_001351834.2); short protein forms K1181E.
Identifiers: ClinVar variation 1995382 (VCV001995382.4), dbSNP rs1057516981, ClinGen allele CA382520283.